The following is an entry in ClinVar:

ClinVar aggregate classification (germline): Uncertain significance (1 of 4 stars; one submission).

Conditions:
Hereditary cancer-predisposing syndrome. Also called: Neoplastic Syndromes, Hereditary; Tumor predisposition; Hereditary Cancer Syndrome; Hereditary neoplastic syndrome. Identifiers: Orphanet 140162, MedGen C0027672, MeSH D009386, MONDO:0015356.

gnomAD v4.1: 1 of 1,614,196 alleles (0.000062%); highest among the groups gnomAD compares: Non-Finnish European, 0.000085%; no homozygotes.

Submission:

Ambry Genetics
Classification: Uncertain significance for Hereditary cancer-predisposing syndrome. Last evaluated: 2026-02-14. Review status: criteria provided, single submitter. Criteria: Ambry Variant Classification Scheme 2023. Collection method: clinical testing. Allele origin: germline.
Comment: The p.S69G variant (also known as c.205A>G), located in coding exon 2 of the MITF gene, results from an A to G substitution at nucleotide position 205. The serine at codon 69 is replaced by glycine, an amino acid with similar properties. This amino acid position is conserved. In addition, the in silico prediction for this alteration is inconclusive. Based on the available evidence, the clinical significance of this variant remains unclear.

NM_001354604.2(MITF):c.526A>G (p.Ser176Gly)

Gene: MITF (melanocyte inducing transcription factor; plus strand). Cytogenetic location: 3p13.
Variant type: single nucleotide variant.
Coding change: c.526A>G on transcript NM_001354604.2 (MANE Select); coding-DNA position 526, A replaced by G.
Protein change: p.Ser176Gly; replaces serine 176 with glycine.
Molecular consequence: missense variant. On other transcripts: intron variant (1).
Genome position (GRCh38, 1-based): chr3:69,937,993, A>G. VCF-style: chr3-69937993-A-G. GRCh37 (hg19) VCF-style: chr3-69987144-A-G.
Other names: c.205A>G, p.Ser69Gly (NM_000248.4, NM_001184968.2, NM_198158.3); c.370A>G, p.Ser124Gly (NM_001184967.2, NM_001354608.2); c.523A>G, p.Ser175Gly (NM_001354605.2, NM_001354606.2, NM_006722.3); c.475A>G, p.Ser159Gly (NM_001354607.2); c.526A>G, p.Ser176Gly (NM_198159.3); c.478A>G, p.Ser160Gly (NM_198177.3); c.93+112A>G (NM_198178.3); short protein forms S124G, S69G, S160G, S175G, S159G, S176G.
Identifiers: ClinVar variation 4844242 (VCV004844242.1).